The following is an entry in ClinVar:

ClinVar aggregate classification (germline): Uncertain significance (1 of 4 stars; one submission).

Allele frequency attached by ClinVar (database versions not stated): gnomAD 0.00001; gnomAD exomes 0.00001; TOPMed 0.00001.
gnomAD v4.1: 9 of 1,205,138 alleles (0.00075%); highest among the groups gnomAD compares: South Asian, 0.0041%; no homozygotes.

Submission:

Labcorp Genetics (formerly Invitae), Labcorp
Classification: Uncertain significance. Last evaluated: 2022-08-23. Review status: criteria provided, single submitter. Criteria: Invitae Variant Classification Sherloc (09022015). Collection method: clinical testing. Allele origin: germline.
Comment: This sequence change replaces proline, which is neutral and non-polar, with leucine, which is neutral and non-polar, at codon 40 of the SMARCD2 protein (p.Pro40Leu). In summary, the available evidence is currently insufficient to determine the role of this variant in disease. Therefore, it has been classified as a Variant of Uncertain Significance. Algorithms developed to predict the effect of missense changes on protein structure and function are either unavailable or do not agree on the potential impact of this missense change (SIFT: "Tolerated"; PolyPhen-2: "Possibly Damaging"; Align-GVGD: "Class C0"). ClinVar contains an entry for this variant (Variation ID: 1502364). This variant has not been reported in the literature in individuals affected with SMARCD2-related conditions. This variant is present in population databases (no rsID available, gnomAD 0.007%).

NM_001098426.2(SMARCD2):c.119C>T (p.Pro40Leu)

Genes: SMARCD2 (SWI/SNF related BAF chromatin remodeling complex subunit D2; minus strand), LOC130061409 (ATAC-STARR-seq lymphoblastoid silent region 8832; plus strand). Cytogenetic location: 17q23.3.
Variant type: single nucleotide variant.
Coding change: c.119C>T on transcript NM_001098426.2 (MANE Select); coding-DNA position 119, C replaced by T.
Protein change: p.Pro40Leu; replaces proline 40 with leucine.
Molecular consequence: missense variant.
Genome position (GRCh38, 1-based): chr17:63,842,556, G>A on the plus strand (C>T on the coding strand, the complement: SMARCD2 is on the minus strand). VCF-style: chr17-63842556-G-A. GRCh37 (hg19) VCF-style: chr17-61919916-G-A.
Other names: short protein forms P40L.
Identifiers: ClinVar variation 1502364 (VCV001502364.7), dbSNP rs1289114980, ClinGen allele CA400602185.